The following is an entry in ClinVar:

ClinVar aggregate classification (germline): Uncertain significance (1 of 4 stars; one submission).

Submission:

Labcorp Genetics (formerly Invitae), Labcorp
Classification: Uncertain significance. Last evaluated: 2024-11-18. Review status: criteria provided, single submitter. Criteria: Invitae Variant Classification Sherloc (09022015). Collection method: clinical testing. Allele origin: germline.
Comment: This sequence change replaces isoleucine, which is neutral and non-polar, with valine, which is neutral and non-polar, at codon 11 of the C15orf41 protein (p.Ile11Val). This variant is not present in population databases (gnomAD no frequency). This variant has not been reported in the literature in individuals affected with C15orf41-related conditions. Invitae Evidence Modeling of protein sequence and biophysical properties (such as structural, functional, and spatial information, amino acid conservation, physicochemical variation, residue mobility, and thermodynamic stability) indicates that this missense variant is not expected to disrupt C15orf41 protein function with a negative predictive value of 80%. In summary, the available evidence is currently insufficient to determine the role of this variant in disease. Therefore, it has been classified as a Variant of Uncertain Significance.

NM_001321759.2(CDIN1):c.31A>G (p.Ile11Val)

Gene: CDIN1 (CDAN1 interacting nuclease 1; plus strand). Cytogenetic location: 15q14.
Variant type: single nucleotide variant.
Coding change: c.31A>G on transcript NM_001321759.2 (MANE Select); coding-DNA position 31, A replaced by G.
Protein change: p.Ile11Val; replaces isoleucine 11 with valine.
Molecular consequence: missense variant. On other transcripts: 5 prime UTR variant (2).
Genome position (GRCh38, 1-based): chr15:36,579,891, A>G. VCF-style: chr15-36579891-A-G. GRCh37 (hg19) VCF-style: chr15-36872092-A-G.
Other names: c.31A>G, p.Ile11Val (NM_001130010.3, NM_001290233.2, NM_001321758.2 and 2 more transcripts); c.-218A>G (NM_001321756.2); c.-373A>G (NM_001321757.2); short protein forms I11V.
Identifiers: ClinVar variation 3625352 (VCV003625352.1).